The following is an entry in ClinVar:

NM_153717.3(EVC):c.2383C>T (p.Gln795Ter)

Gene: EVC (EvC ciliary complex subunit 1; plus strand). Cytogenetic location: 4p16.2.
Variant type: single nucleotide variant.
Coding change: c.2383C>T on transcript NM_153717.3 (MANE Select); coding-DNA position 2383, C replaced by T.
Protein change: p.Gln795Ter; replaces glutamine 795 with a stop codon.
Molecular consequence: nonsense.
Genome position (GRCh38, 1-based): chr4:5,802,028, C>T. VCF-style: chr4-5802028-C-T. GRCh37 (hg19) VCF-style: chr4-5803755-C-T.
Other names: c.2383C>T, p.Gln795Ter (NM_001306090.2); short protein forms Q795*.
Identifiers: ClinVar variation 4816931 (VCV004816931.1).

ClinVar aggregate classification (germline): Likely pathogenic (1 of 4 stars; one submission).

Conditions:
Ellis-van Creveld syndrome (EVC). Also called: Chondroectodermal dysplasia; EVC-Related Ellis-van Creveld Syndrome; EVC2-Related Ellis-van Creveld Syndrome; MESOECTODERMAL DYSPLASIA. Identifiers: Orphanet 289, MedGen C0013903, MONDO:0009162, OMIM 225500.

Submission:

Natera, Inc.
Classification: Likely pathogenic for Ellis-van Creveld syndrome. Last evaluated: 2025-08-26. Review status: criteria provided, single submitter. Criteria: Natera Variant Classification Schema (03/2026). Collection method: clinical testing. Allele origin: germline.
Comment: The c.2383C>T variant in EVC is a nonsense variant predicted to introduce a stop codon at amino acid 795. This variant is expected to result in nonsense mediated decay, truncation, or a dysfunctional protein product. This variant is rare in the general population with a frequency below the threshold expected for the associated phenotype(s). Given the available evidence, this variant is classified as Likely Pathogenic.